The following is an entry in ClinVar:

NM_030777.4(SLC2A10):c.377T>C (p.Leu126Pro)

Gene: SLC2A10 (solute carrier family 2 member 10; plus strand). Cytogenetic location: 20q13.12.
Variant type: single nucleotide variant.
Coding change: c.377T>C on transcript NM_030777.4 (MANE Select); coding-DNA position 377, T replaced by C.
Protein change: p.Leu126Pro; replaces leucine 126 with proline.
Molecular consequence: missense variant.
Genome position (GRCh38, 1-based): chr20:46,725,413, T>C. VCF-style: chr20-46725413-T-C. GRCh37 (hg19) VCF-style: chr20-45354052-T-C.
Other names: short protein forms L126P.
Identifiers: ClinVar variation 4167460 (VCV004167460.1).

ClinVar aggregate classification (germline): Uncertain significance (1 of 4 stars; one submission).

Conditions:
Familial thoracic aortic aneurysm and aortic dissection (TAAD). Also called: Thoracic aortic aneurysms and dissections. Identifiers: Orphanet 91387, MedGen C4707243, MONDO:0019625.

gnomAD v4.1: 1 of 1,614,178 alleles (0.000062%); highest among the groups gnomAD compares: Non-Finnish European, 0.000085%; no homozygotes.

Submission:

Ambry Genetics
Classification: Uncertain significance for Familial thoracic aortic aneurysm and aortic dissection. Last evaluated: 2025-08-26. Review status: criteria provided, single submitter. Criteria: Ambry Variant Classification Scheme 2023. Collection method: clinical testing. Allele origin: germline.
Comment: The p.L126P variant (also known as c.377T>C), located in coding exon 2 of the SLC2A10 gene, results from a T to C substitution at nucleotide position 377. The leucine at codon 126 is replaced by proline, an amino acid with similar properties. This amino acid position is not well conserved in available vertebrate species. In addition, this alteration is predicted to be deleterious by in silico analysis. Based on the available evidence, the clinical significance of this variant remains unclear.